The following is an entry in ClinVar:

NM_001384140.1(PCDH15):c.3932A>G (p.Tyr1311Cys)

Gene: PCDH15 (protocadherin related 15; minus strand). Cytogenetic location: 10q21.1.
Variant type: single nucleotide variant.
Coding change: c.3932A>G on transcript NM_001384140.1 (MANE Select); coding-DNA position 3932, A replaced by G.
Protein change: p.Tyr1311Cys; replaces tyrosine 1311 with cysteine.
Molecular consequence: missense variant.
Genome position (GRCh38, 1-based): chr10:53,840,371, T>C on the plus strand (A>G on the coding strand, the complement: PCDH15 is on the minus strand). VCF-style: chr10-53840371-T-C. GRCh37 (hg19) VCF-style: chr10-55600131-T-C.
Other names: c.3947A>G, p.Tyr1316Cys (NM_001142763.2, NM_001142771.2); c.3932A>G, p.Tyr1311Cys (NM_001142764.2, NM_001142766.2, NM_001142770.3 and 4 more transcripts); c.3719A>G, p.Tyr1240Cys (NM_001142765.2); c.3821A>G, p.Tyr1274Cys (NM_001142767.2); c.3866A>G, p.Tyr1289Cys (NM_001142768.2, NM_001142773.2, NM_001354404.2); c.3968A>G, p.Tyr1323Cys (NM_001142769.4); c.3953A>G, p.Tyr1318Cys (NM_001354411.2); short protein forms Y1240C, Y1274C, Y1316C, Y1318C, Y1323C, Y1289C, Y1311C.
Identifiers: ClinVar variation 968282 (VCV000968282.7), dbSNP rs752031456, ClinGen allele CA207233695.

ClinVar aggregate classification (germline): Uncertain significance. Review status: criteria provided, multiple submitters, no conflicts (2 of 4 stars). 3 submissions from 3 submitters: Uncertain significance (2). 1 of the submissions does not count toward it. Last evaluated 2024-02-12.

Conditions:
Usher syndrome type 1F (USH1F). Also called: USHER SYNDROME, TYPE IF. Identifiers: Orphanet 231169, Orphanet 886, MedGen C1865885, MONDO:0011186, OMIM 602083.

Allele frequency attached by ClinVar (database versions not stated): gnomAD 0.00001; gnomAD exomes 0.00001; TOPMed 0.00001.
gnomAD v4.1: 9 of 1,614,048 alleles (0.00056%); highest among the groups gnomAD compares: Middle Eastern, 0.033%; 1 homozygote.

Submissions (3):

Labcorp Genetics (formerly Invitae), Labcorp
Classification: Uncertain significance. Last evaluated: 2024-02-12. Review status: criteria provided, single submitter. Criteria: Invitae Variant Classification Sherloc (09022015). Collection method: clinical testing. Allele origin: germline.
Comment: This sequence change replaces tyrosine, which is neutral and polar, with cysteine, which is neutral and slightly polar, at codon 1311 of the PCDH15 protein (p.Tyr1311Cys). This variant is present in population databases (rs752031456, gnomAD 0.002%). This variant has not been reported in the literature in individuals affected with PCDH15-related conditions. ClinVar contains an entry for this variant (Variation ID: 968282). Advanced modeling of protein sequence and biophysical properties (such as structural, functional, and spatial information, amino acid conservation, physicochemical variation, residue mobility, and thermodynamic stability) performed at Invitae indicates that this missense variant is expected to disrupt PCDH15 protein function with a positive predictive value of 80%. In summary, the available evidence is currently insufficient to determine the role of this variant in disease. Therefore, it has been classified as a Variant of Uncertain Significance.

Revvity Omics, Revvity
Classification: Uncertain significance. Last evaluated: 2020-03-26. Review status: criteria provided, single submitter. Criteria: ACMG Guidelines, 2015. Collection method: clinical testing. Allele origin: germline.

Natera, Inc.
Classification: Uncertain significance for Usher syndrome type 1F. Last evaluated: 2020-08-24. Review status: no assertion criteria provided. Collection method: clinical testing. Allele origin: germline. Not counted in ClinVar's aggregate classification.